The following is an entry in ClinVar:

NC_000017.11:g.3490217_3490218ins[NC_000001.11:13327499_13330105]

Genes: ASPA (aspartoacylase; plus strand), SPATA22 (spermatogenesis associated 22; minus strand). Cytogenetic location: 17p13.2.
Variant type: Insertion.
Identifiers: ClinVar variation 3383211 (VCV003383211.1).

ClinVar aggregate classification (germline): Likely pathogenic (1 of 4 stars; one submission).

Conditions:
Spongy degeneration of central nervous system. Also called: ASP DEFICIENCY; ASPA DEFICIENCY; ASPARTOACYLASE DEFICIENCY; CANAVAN-VAN BOGAERT-BERTRAND DISEASE; ACY2 DEFICIENCY; AMINOACYLASE 2 DEFICIENCY. Identifiers: Orphanet 141, MedGen C0206307, MONDO:0010079, OMIM 271900.

Submission:

Victorian Clinical Genetics Services, Murdoch Childrens Research Institute
Classification: Likely pathogenic for Spongy degeneration of central nervous system. Last evaluated: 2024-06-03. Review status: criteria provided, single submitter. Criteria: ACMG Guidelines, 2015. Collection method: clinical testing. Allele origin: paternal. Inheritance: Autosomal recessive inheritance. Affected: yes. Observed: 1 compound heterozygote.
Comment: Evidence in support of pathogenic classification: - This complex structural variant involves the insertion of an approximately 2.6 kb SVA_E retrotransposon within intron 4 (of 5) of the ASPA gene. RNA studies performed in a research setting demonstrated that the allele containing this variant undergoes nonsense-mediated decay (NMD). - Other NMD-predicted small nucleotide variants comparable to the one identified in this case have very strong previous evidence for pathogenicity (DECIPHER). - Heterozygous variant detected in trans with a pathogenic heterozygous variant (NM_000049.2:c.820G>A; p.(Gly274Arg)) in a recessive disease. Additional information: - Loss of function is a known mechanism of disease in this gene and is associated with Canavan disease (MIM#271900). - This gene is associated with autosomal recessive disease. - This variant is heterozygous. - Variant is absent from gnomAD (SV v2). - This variant has no previous evidence of pathogenicity. - No published segregation evidence has been identified for this variant. - No published functional evidence has been identified for this variant.